The following is an entry in ClinVar:

ClinVar aggregate classification (germline): Uncertain significance. Review status: criteria provided, multiple submitters, no conflicts (2 of 4 stars). 2 submissions from 2 submitters: Uncertain significance (2). Last evaluated 2025-08-23.

Conditions:
Inborn genetic diseases. Identifiers: MedGen C0950123, MeSH D030342.
Lethal multiple pterygium syndrome (LMPS). Identifiers: Orphanet 33108, MedGen C1854678, MONDO:0009668, OMIM 253290.

gnomAD v4.1: 12 of 1,613,294 alleles (0.00074%); highest among the groups gnomAD compares: Middle Eastern, 0.017%; no homozygotes.

Submissions (2):

Ambry Genetics
Classification: Uncertain significance for Inborn genetic diseases. Last evaluated: 2025-08-23. Review status: criteria provided, single submitter. Criteria: Ambry Variant Classification Scheme 2023. Collection method: clinical testing. Allele origin: germline.

Labcorp Genetics (formerly Invitae), Labcorp
Classification: Uncertain significance for Lethal multiple pterygium syndrome. Last evaluated: 2024-12-31. Review status: criteria provided, single submitter. Criteria: Invitae Variant Classification Sherloc (09022015). Collection method: clinical testing. Allele origin: germline.
Comment: This sequence change replaces valine, which is neutral and non-polar, with isoleucine, which is neutral and non-polar, at codon 18 of the CHRNA1 protein (p.Val18Ile). This variant is present in population databases (rs202221890, gnomAD 0.02%). This variant has not been reported in the literature in individuals affected with CHRNA1-related conditions. ClinVar contains an entry for this variant (Variation ID: 1348872). Invitae Evidence Modeling of protein sequence and biophysical properties (such as structural, functional, and spatial information, amino acid conservation, physicochemical variation, residue mobility, and thermodynamic stability) indicates that this missense variant is not expected to disrupt CHRNA1 protein function with a negative predictive value of 95%. In summary, the available evidence is currently insufficient to determine the role of this variant in disease. Therefore, it has been classified as a Variant of Uncertain Significance.

NM_000079.4(CHRNA1):c.52G>A (p.Val18Ile)

Gene: CHRNA1 (cholinergic receptor nicotinic alpha 1 subunit; minus strand). Cytogenetic location: 2q31.1.
Variant type: single nucleotide variant.
Coding change: c.52G>A on transcript NM_000079.4 (MANE Select); coding-DNA position 52, G replaced by A.
Protein change: p.Val18Ile; replaces valine 18 with isoleucine.
Molecular consequence: missense variant.
Genome position (GRCh38, 1-based): chr2:174,759,625, C>T on the plus strand (G>A on the coding strand, the complement: CHRNA1 is on the minus strand). VCF-style: chr2-174759625-C-T. GRCh37 (hg19) VCF-style: chr2-175624353-C-T.
Other names: c.52G>A (NM_000079.3); c.52G>A, p.Val18Ile (NM_001039523.3); short protein forms V18I.
Identifiers: ClinVar variation 1348872 (VCV001348872.7), dbSNP rs202221890, ClinGen allele CA1974709.
Genomic context (GRCh38, chr2:174,759,625, plus strand): 5'-CGCTGCTGTAGTCTTTAAATAGCTTTGCCACCAGACGGGTCTCATGTTCGGAGCCCAGGA[C>T]GAGGCCAGCTGAGACAGCAGATGACACCAACACTGTCAGATTCTTCTCCCCACCCTCCAA-3'
Protein context (NP_000070.1, residues 8-28): LLFSLCSAGL[Val18Ile]LGSEHETRLV